The following is an entry in ClinVar:

ClinVar aggregate classification (germline): Uncertain significance (1 of 4 stars; one submission).

Allele frequency attached by ClinVar (database versions not stated): ExAC 0.00002; TOPMed 0.00003; gnomAD 0.00004; ESP Exome Variant Server 0.00008.
gnomAD v4.1: 9 of 1,613,948 alleles (0.00056%); highest among the groups gnomAD compares: African/African-American, 0.0093%; no homozygotes.

Submission:

Labcorp Genetics (formerly Invitae), Labcorp
Classification: Uncertain significance. Last evaluated: 2025-10-26. Review status: criteria provided, single submitter. Criteria: Invitae Variant Classification Sherloc (09022015). Collection method: clinical testing. Allele origin: germline.
Comment: This sequence change replaces glutamic acid, which is acidic and polar, with lysine, which is basic and polar, at codon 1395 of the A2ML1 protein (p.Glu1395Lys). This variant is present in population databases (rs369978459, gnomAD 0.01%). This variant has not been reported in the literature in individuals affected with A2ML1-related conditions. ClinVar contains an entry for this variant (Variation ID: 2147111). An algorithm developed to predict the effect of missense changes on protein structure and function (PolyPhen-2) suggests that this variant is likely to be disruptive. In summary, the available evidence is currently insufficient to determine the role of this variant in disease. Therefore, it has been classified as a Variant of Uncertain Significance.

NM_144670.6(A2ML1):c.4183G>A (p.Glu1395Lys)

Gene: A2ML1 (alpha-2-macroglobulin like 1; plus strand). Cytogenetic location: 12p13.31.
Variant type: single nucleotide variant.
Coding change: c.4183G>A on transcript NM_144670.6 (MANE Select); coding-DNA position 4183, G replaced by A.
Protein change: p.Glu1395Lys; replaces glutamic acid 1395 with lysine.
Molecular consequence: missense variant.
Genome position (GRCh38, 1-based): chr12:8,869,165, G>A. VCF-style: chr12-8869165-G-A. GRCh37 (hg19) VCF-style: chr12-9021761-G-A.
Other names: c.2710G>A, p.Glu904Lys (NM_001282424.3); short protein forms E1395K, E904K.
Identifiers: ClinVar variation 2147111 (VCV002147111.4), dbSNP rs369978459, ClinGen allele CA6436623.